The following is an entry in ClinVar:

NM_000431.4(MVK):c.870G>T (p.Gln290His)

Gene: MVK (mevalonate kinase; plus strand). Cytogenetic location: 12q24.11.
Variant type: single nucleotide variant.
Coding change: c.870G>T on transcript NM_000431.4 (MANE Select); coding-DNA position 870, G replaced by T.
Protein change: p.Gln290His; replaces glutamine 290 with histidine.
Molecular consequence: missense variant.
Genome position (GRCh38, 1-based): chr12:109,591,342, G>T. VCF-style: chr12-109591342-G-T. GRCh37 (hg19) VCF-style: chr12-110029147-G-T.
Other names: c.870G>T, p.Gln290His (NM_001114185.3); c.714G>T, p.Gln238His (NM_001301182.2); short protein forms Q238H, Q290H.
Identifiers: ClinVar variation 853846 (VCV000853846.10), dbSNP rs376025633, ClinGen allele CA6779397.
Genomic context (GRCh38, chr12:109,591,342, plus strand): 5'-CATCTCCCTGGAGTGTGAGCGCGTGCTGGGAGAGATGGGGGAAGCCCCAGCCCCGGAGCA[G>T]TACCTCGTGCTGGAAGTAAGAGCCTGTCTGCAGGAACCGGGGTTACTGAGTCCACACCAC-3'
Protein context (NP_000422.1, residues 280-300): GEMGEAPAPE[Gln290His]YLVLEELIDM

ClinVar aggregate classification (germline): Conflicting classifications of pathogenicity. Review status: criteria provided, conflicting classifications (1 of 4 stars). 4 submissions from 3 submitters: Uncertain significance (3); Likely benign (1). Last evaluated 2026-08-04.

Conditions:
Inborn genetic diseases. Identifiers: MedGen C0950123, MeSH D030342.
Hyperimmunoglobulin D with periodic fever (HIDS). Also called: HYPERIMMUNOGLOBULINEMIA D AND PERIODIC FEVER SYNDROME; Hyperimmunoglobulinemia D with periodic fever; Hyperimmunoglobulinemia D. Identifiers: Orphanet 343, MedGen C0398691, MONDO:0009849, OMIM 260920.
Mevalonic aciduria (MEVA). Identifiers: Orphanet 29, MedGen C1959626, MONDO:0012481, OMIM 610377.
Porokeratosis 3, disseminated superficial actinic type (POROK3). Also called: POROKERATOSIS 3, MULTIPLE TYPES; POROKERATOSIS 3, MIBELLI TYPE; POROKERATOSIS, DISSEMINATED SUPERFICIAL ACTINIC, 1. Identifiers: MedGen C1867981, MONDO:0008293, OMIM 175900.

Allele frequency attached by ClinVar (database versions not stated): TOPMed 0.00001; gnomAD 0.00001 and 0.00002; ESP Exome Variant Server 0.00008; ExAC 0.00001.
gnomAD v4.1: 4 of 1,614,060 alleles (0.00025%); highest among the groups gnomAD compares: African/African-American, 0.004%; no homozygotes.

Submissions (4):

Ambry Genetics
Classification: Likely benign for Inborn genetic diseases. Last evaluated: 2026-08-04. Review status: criteria provided, single submitter. Criteria: Ambry Variant Classification Scheme 2023. Collection method: clinical testing. Allele origin: germline.

Labcorp Genetics (formerly Invitae), Labcorp
Classification: Uncertain significance for Mevalonic aciduria; Hyperimmunoglobulin D with periodic fever; Porokeratosis 3, disseminated superficial actinic type. Last evaluated: 2024-01-08. Review status: criteria provided, single submitter. Criteria: Invitae Variant Classification Sherloc (09022015). Collection method: clinical testing. Allele origin: germline.
Comment: This sequence change replaces glutamine, which is neutral and polar, with histidine, which is basic and polar, at codon 290 of the MVK protein (p.Gln290His). This variant is present in population databases (rs376025633, gnomAD 0.008%). This variant has not been reported in the literature in individuals affected with MVK-related conditions. ClinVar contains an entry for this variant (Variation ID: 853846). Advanced modeling of protein sequence and biophysical properties (such as structural, functional, and spatial information, amino acid conservation, physicochemical variation, residue mobility, and thermodynamic stability) performed at Invitae indicates that this missense variant is not expected to disrupt MVK protein function with a negative predictive value of 80%. In summary, the available evidence is currently insufficient to determine the role of this variant in disease. Therefore, it has been classified as a Variant of Uncertain Significance.

Illumina Laboratory Services, Illumina
Classification: Uncertain significance for Mevalonic aciduria. Last evaluated: 2018-01-13. Review status: criteria provided, single submitter. Criteria: ICSL Variant Classification Criteria 13 December 2019. Collection method: clinical testing. Allele origin: germline.

Illumina Laboratory Services, Illumina
Classification: Uncertain significance for Hyperimmunoglobulin D with periodic fever. Last evaluated: 2018-01-13. Review status: criteria provided, single submitter. Criteria: ICSL Variant Classification Criteria 13 December 2019. Collection method: clinical testing. Allele origin: germline.